The following is an entry in ClinVar:

ClinVar aggregate classification (germline): Likely pathogenic (0 of 4 stars; one submission).

Conditions:
Ornithine aminotransferase deficiency (GACR). Also called: OAT DEFICIENCY; OKT DEFICIENCY; Ornithine ketoacid aminotransferase deficiency; Gyrate atrophy; Gyrate atrophy of choroid and retina; Girate atrophy of the retina. Identifiers: Orphanet 414, MedGen C0018425, MONDO:0009796, OMIM 258870.

Submission:

Juha Muilu Group; Institute for Molecular Medicine Finland (FIMM)
Classification: Likely pathogenic for Ornithine aminotransferase deficiency. Review status: no assertion criteria provided. Collection method: not provided. Allele origin: unknown.
Comment: FinDis database variant: This variant was not found or characterized by our laboratory, data were collected from public sources: see reference
ClinVar note: Converted during submission from probable-pathogenic to Likely pathogenic.

NM_000274.4(OAT):c.267C>A (p.Asn89Lys)

Gene: OAT (ornithine aminotransferase; minus strand). Cytogenetic location: 10q26.13.
Variant type: single nucleotide variant.
Coding change: c.267C>A on transcript NM_000274.4 (MANE Select); coding-DNA position 267, C replaced by A.
Protein change: p.Asn89Lys; replaces asparagine 89 with lysine.
Molecular consequence: missense variant. On other transcripts: 5 prime UTR variant (2), intron variant (1).
Genome position (GRCh38, 1-based): chr10:124,408,898, G>T on the plus strand (C>A on the coding strand, the complement: OAT is on the minus strand). VCF-style: chr10-124408898-G-T. GRCh37 (hg19) VCF-style: chr10-126097467-G-T.
Other names: c.-148C>A (NM_001171814.2); c.267C>A, p.Asn89Lys (NM_001322965.2, NM_001322966.2, NM_001322967.2 and 3 more transcripts); c.-448C>A (NM_001322974.2); c.199+3075C>A (NM_001322971.2); short protein forms N89K.
Identifiers: ClinVar variation 56120 (VCV000056120.2), dbSNP rs386833602, ClinGen allele CA144143.